The following is an entry in ClinVar:

NM_182916.3(TRNT1):c.488A>T (p.Asp163Val)

Gene: TRNT1 (tRNA nucleotidyl transferase 1; plus strand). Cytogenetic location: 3p26.2.
Variant type: single nucleotide variant.
Coding change: c.488A>T on transcript NM_182916.3 (MANE Select); coding-DNA position 488, A replaced by T.
Protein change: p.Asp163Val; replaces aspartic acid 163 with valine.
Molecular consequence: missense variant. On other transcripts: non-coding transcript variant (8).
Genome position (GRCh38, 1-based): chr3:3,144,590, A>T. VCF-style: chr3-3144590-A-T. GRCh37 (hg19) VCF-style: chr3-3186274-A-T.
Other names: c.488A>T, p.Asp163Val (LRG_1314t1, NM_001302946.2, NM_001367321.1 and 2 more transcripts); short protein forms D163V.
Identifiers: ClinVar variation 655641 (VCV000655641.10), dbSNP rs146717589, ClinGen allele CA2228697.

ClinVar aggregate classification (germline): Conflicting classifications of pathogenicity. Review status: criteria provided, conflicting classifications (1 of 4 stars). 3 submissions from 3 submitters: Likely pathogenic (2); Uncertain significance (1). Last evaluated 2025-08-04.

Conditions:
TRNT1-related disorder. Also called: TRNT1-related disorders; TRNT1-related condition.
Congenital sideroblastic anemia-B-cell immunodeficiency-periodic fever-developmental delay syndrome. Also called: Sideroblastic anemia with B-cell immunodeficiency, periodic fevers, and developmental delay. Identifiers: Orphanet 369861, MedGen C4015172, MONDO:0014487, OMIM 616084.

Allele frequency attached by ClinVar (database versions not stated): TOPMed 0.00002; ExAC 0.00006; gnomAD exomes 0.00006; ESP Exome Variant Server 0.00023.
gnomAD v4.1: 50 of 1,578,062 alleles (0.0032%); highest among the groups gnomAD compares: Non-Finnish European, 0.0041%; no homozygotes.

Submissions (3):

Labcorp Genetics (formerly Invitae), Labcorp
Classification: Likely pathogenic for Congenital sideroblastic anemia-B-cell immunodeficiency-periodic fever-developmental delay syndrome. Last evaluated: 2025-08-04. Review status: criteria provided, single submitter. Criteria: Invitae Variant Classification Sherloc (09022015). Collection method: clinical testing. Allele origin: germline.
Comment: This sequence change replaces aspartic acid, which is acidic and polar, with valine, which is neutral and non-polar, at codon 163 of the TRNT1 protein (p.Asp163Val). This variant is present in population databases (rs146717589, gnomAD 0.01%). This missense change has been observed in individual(s) with retinal disorders and/or TRNT1-related congenital sideroblastic anemia (PMID: 29358286, 38219857). ClinVar contains an entry for this variant (Variation ID: 655641). Invitae Evidence Modeling of protein sequence and biophysical properties (such as structural, functional, and spatial information, amino acid conservation, physicochemical variation, residue mobility, and thermodynamic stability) indicates that this missense variant is expected to disrupt TRNT1 protein function with a positive predictive value of 80%. In summary, the currently available evidence indicates that the variant is pathogenic, but additional data are needed to prove that conclusively. Therefore, this variant has been classified as Likely Pathogenic.

Blueprint Genetics
Classification: Likely pathogenic for TRNT1-related disorders. Last evaluated: 2024-09-21. Review status: criteria provided, single submitter. Criteria: ACMG Guidelines, 2015. Collection method: clinical testing. Allele origin: germline. Affected: yes. Observed: 4 variant alleles.

GeneDx
Classification: Uncertain significance. Last evaluated: 2022-04-14. Review status: criteria provided, single submitter. Criteria: GeneDx Variant Classification Process June 2021. Collection method: clinical testing. Allele origin: germline. Affected: yes.
Comment: Not observed at significant frequency in large population cohorts (gnomAD); In silico analysis supports that this missense variant has a deleterious effect on protein structure/function; This variant is associated with the following publications: (PMID: 34510712, 29358286)

Literature cited by the submitters: PubMed 29358286 (cited by Labcorp Genetics (formerly Invitae), Labcorp); PubMed 38219857 (cited by Labcorp Genetics (formerly Invitae), Labcorp).